The following is an entry in ClinVar:

ClinVar aggregate classification (germline): Pathogenic (1 of 4 stars; one submission).

Conditions:
Werner syndrome (WRN). Identifiers: Orphanet 902, MedGen C0043119, MONDO:0010196, OMIM 277700.

Submission:

Women's Health and Genetics/Laboratory Corporation of America, LabCorp
Classification: Pathogenic for Werner syndrome. Last evaluated: 2022-12-29. Review status: criteria provided, single submitter. Criteria: LabCorp Variant Classification Summary - May 2015. Collection method: clinical testing. Allele origin: germline.
Comment: Variant summary: The variant identified by MLPA or other technology involves the deletion of exons 19-23 in the WRN gene. A presumed nomenclature of c.(2088+1_2089-1)_(2825+1_2826-1)del has been designated for the purposes of this classification. Although exact breakpoints of this deletion are not known, it is expected to result in a frameshift in the WRN gene, a known mechanism of disease. The variant was absent in 21694 control chromosomes (gnomAD structural variants dataset). The variant, c.(2088+1_2089-1)_(2825+1_2826-1)del, has been reported in the literature in compound heterozygous and homozygous state in multiple individuals affected with Werner Syndrome (Oshima_1996, Yu_1997, Friedrich_2010). These data indicate that the variant is likely to be associated with disease. To our knowledge, no experimental evidence demonstrating an impact on protein function has been reported. One clinical diagnostic laboratory has submitted clinical-significance assessments for this variant to ClinVar after 2014 without evidence for independent evaluation, and classified the variant as pathogenic. Based on the evidence outlined above, the variant was classified as pathogenic.

Literature cited by the submitters: PubMed 20443122; PubMed 10189141; PubMed 8968742; PubMed 9012406.

NC_000008.10:g.(30958472_30969130)_(30982517_30989880)del

Gene: WRN (WRN RecQ like helicase; plus strand). Cytogenetic location: 8p12.
Variant type: Deletion.
Identifiers: ClinVar variation 1878407 (VCV001878407.1).